The following is an entry in ClinVar:

NM_000466.3(PEX1):c.2162_2166del (p.Leu721fs)

Gene: PEX1 (peroxisomal biogenesis factor 1; minus strand). Cytogenetic location: 7q21.2.
Variant type: Deletion.
Coding change: c.2162_2166del on transcript NM_000466.3 (MANE Select); coding-DNA positions 2162 to 2166, 5 bases deleted (TACTT; older notation c.2162_2166delTACTT).
Protein change: p.Leu721fs; shifts the reading frame from leucine 721.
Molecular consequence: frameshift variant.
Genome position (GRCh38, 1-based): chr7:92,503,101-92,503,105, AAGTA deleted on the plus strand (TACTT on the coding strand, the reverse complement: PEX1 is on the minus strand); deleting any 5 consecutive bases within chr7:92,503,101-92,503,108 gives the same sequence; the c. name uses the placement nearest the transcript's 3' end. VCF-style (leftmost placement, unchanged base first): chr7-92503100-CAAGTA-C. GRCh37 (hg19) VCF-style: chr7-92132414-CAAGTA-C.
Other names: c.1991_1995del, p.Leu664fs (NM_001282677.2); c.1538_1542del, p.Leu513fs (NM_001282678.2); short protein forms L513fs, L721fs, L664fs.
Identifiers: ClinVar variation 371742 (VCV000371742.5), dbSNP rs1057517499, ClinGen allele CA16041154.

ClinVar aggregate classification (germline): Pathogenic. Review status: criteria provided, single submitter (1 of 4 stars). 3 submissions from 2 submitters: Pathogenic (1). 2 of the submissions do not count toward it. Last evaluated 2024-02-17.

Conditions:
Zellweger spectrum disorders (ZS). Also called: Zellweger Spectrum Disorder (ZSD); Zellweger Spectrum Disorder; Zellweger Spectrum; Zellweger syndrome. Identifiers: Orphanet 912, MedGen C0043459, MONDO:0019609.
Peroxisome biogenesis disorder 1B (PBD1B). Also called: Refsum disease, infantile form; Infantile Refsum disease; Infantile form of phytanic acid storage disease; PEROXISOME BIOGENESIS DISORDER (NEONATAL ADRENOLEUKODYSTROPHY/INFANTILE REFSUM DISEASE); INFANTILE PHYTANIC ACID STORAGE DISEASE; PEROXISOME BIOGENESIS DISORDER (NALD/IRD). Identifiers: Orphanet 44, MedGen C0282527, MONDO:0011101, OMIM 601539.
Peroxisome biogenesis disorder 1A (Zellweger) (PBD1A). Also called: Zellweger leukodystrophy; Peroxisome biogenesis disorder 1a. Identifiers: MedGen C4721541, MONDO:0008953, OMIM 214100.

Submissions (3):

Labcorp Genetics (formerly Invitae), Labcorp
Classification: Pathogenic for Zellweger spectrum disorders. Last evaluated: 2024-02-17. Review status: criteria provided, single submitter. Criteria: Invitae Variant Classification Sherloc (09022015). Collection method: clinical testing. Allele origin: germline.
Comment: This sequence change creates a premature translational stop signal (p.Leu721Cysfs*19) in the PEX1 gene. It is expected to result in an absent or disrupted protein product. Loss-of-function variants in PEX1 are known to be pathogenic (PMID: 21031596, 26387595, 31831025). This variant is not present in population databases (gnomAD no frequency). This variant has not been reported in the literature in individuals affected with PEX1-related conditions. ClinVar contains an entry for this variant (Variation ID: 371742). For these reasons, this variant has been classified as Pathogenic.

Counsyl
Classification: Likely pathogenic for Peroxisome biogenesis disorder 1A (Zellweger). Last evaluated: 2016-05-24. Review status: no assertion criteria provided. Collection method: clinical testing. Allele origin: unknown. Not counted in ClinVar's aggregate classification.

Counsyl
Classification: Likely pathogenic for Peroxisome biogenesis disorder 1B. Last evaluated: 2016-05-24. Review status: no assertion criteria provided. Collection method: clinical testing. Allele origin: unknown. Not counted in ClinVar's aggregate classification.

Literature cited by the submitters: PubMed 21031596 (cited by Labcorp Genetics (formerly Invitae), Labcorp); PubMed 26387595 (cited by Labcorp Genetics (formerly Invitae), Labcorp); PubMed 31831025 (cited by Labcorp Genetics (formerly Invitae), Labcorp).